The following is an entry in ClinVar:

ClinVar aggregate classification (germline): Benign. Review status: criteria provided, multiple submitters, no conflicts (2 of 4 stars). 3 submissions from 3 submitters: Benign (2). 1 of the submissions does not count toward it. Last evaluated 2019-12-31.

Conditions:
NOS1-related disorder. Also called: NOS1-related condition.

Allele frequency attached by ClinVar (database versions not stated): ESP Exome Variant Server 0.01306; TOPMed 0.01455; gnomAD 0.01233 and 0.01330; 1000 Genomes Project 0.01318; gnomAD exomes 0.00121 and 0.00316; ExAC 0.00372; 1000 Genomes Project 30x 0.01421.
gnomAD v4.1: 3,726 of 1,614,022 alleles (0.23%); highest among the groups gnomAD compares: African/African-American, 4.4%; 80 homozygotes.

Submissions (3):

Labcorp Genetics (formerly Invitae), Labcorp
Classification: Benign. Last evaluated: 2019-12-31. Review status: criteria provided, single submitter. Criteria: Invitae Variant Classification Sherloc (09022015). Collection method: clinical testing. Allele origin: germline.

Breakthrough Genomics
Classification: Benign. Review status: criteria provided, single submitter. Criteria: ACMG Guidelines, 2015. Collection method: not provided. Allele origin: germline. Inheritance: Unknown mechanism. Affected: yes.

PreventionGenetics, part of Exact Sciences
Classification: Benign for NOS1-related condition. Last evaluated: 2024-01-05. Review status: no assertion criteria provided. Collection method: clinical testing. Allele origin: germline. Not counted in ClinVar's aggregate classification.
Comment: This variant is classified as benign based on ACMG/AMP sequence variant interpretation guidelines (Richards et al. 2015 PMID: 25741868, with internal and published modifications).

NM_000620.5(NOS1):c.273C>T (p.Thr91=)

Gene: NOS1 (nitric oxide synthase 1; minus strand). Cytogenetic location: 12q24.22.
Variant type: single nucleotide variant.
Coding change: c.273C>T on transcript NM_000620.5 (MANE Select); coding-DNA position 273, C replaced by T.
Protein change: p.Thr91=; no amino-acid change (threonine 91 retained).
Molecular consequence: synonymous variant.
Genome position (GRCh38, 1-based): chr12:117,330,797, G>A on the plus strand (C>T on the coding strand, the complement: NOS1 is on the minus strand). VCF-style: chr12-117330797-G-A. GRCh37 (hg19) VCF-style: chr12-117768602-G-A.
Other names: c.273C>T, p.Thr91= (NM_001204218.2); c.273C>T (NM_001204218.1).
Identifiers: ClinVar variation 784258 (VCV000784258.7), dbSNP rs9658276, ClinGen allele CA6815490.